The following is an entry in ClinVar:

ClinVar aggregate classification (germline): Uncertain significance. Review status: criteria provided, multiple submitters, no conflicts (2 of 4 stars). 2 submissions from 2 submitters: Uncertain significance (2). Last evaluated 2024-05-22.

Conditions:
Neurodevelopmental disorder with cataracts, poor growth, and dysmorphic facies. Identifiers: MedGen C5231414, MONDO:0032817, OMIM 618571.

Allele frequency attached by ClinVar (database versions not stated): gnomAD exomes 0.00001; TOPMed 0.00003; gnomAD 0.00004; ESP Exome Variant Server 0.00008.
gnomAD v4.1: 20 of 1,590,034 alleles (0.0013%); highest among the groups gnomAD compares: African/African-American, 0.0081%; no homozygotes.

Submissions (2):

Women's Health and Genetics/Laboratory Corporation of America, LabCorp
Classification: Uncertain significance. Last evaluated: 2024-05-22. Review status: criteria provided, single submitter. Criteria: LabCorp Variant Classification Summary - May 2015. Collection method: clinical testing. Allele origin: germline.
Comment: Variant summary: INTS1 c.5521C>T (p.Arg1841Cys) results in a non-conservative amino acid change in the encoded protein sequence. Three of five in-silico tools predict a benign effect of the variant on protein function. The variant allele was found at a frequency of 9.5e-06 in 210520 control chromosomes (gnomAD). The available data on variant occurrences in the general population are insufficient to allow any conclusion about variant significance. To our knowledge, no occurrence of c.5521C>T in individuals affected with Neurodevelopmental Disorder With Cataracts, Poor Growth, And Dysmorphic Facies and no experimental evidence demonstrating its impact on protein function have been reported. ClinVar contains an entry for this variant (Variation ID: 1328176). Based on the evidence outlined above, the variant was classified as uncertain significance.

Illumina Laboratory Services, Illumina
Classification: Uncertain significance for Neurodevelopmental disorder with cataracts, poor growth, and dysmorphic facies. Last evaluated: 2021-08-19. Review status: criteria provided, single submitter. Criteria: ICSLVariantClassificationCriteria RUGD 01 April 2020. Collection method: clinical testing. Allele origin: unknown.
Comment: The INTS1 c.5521C>T (p.Arg1841Cys) variant is a missense variant. A literature search was performed for the gene, cDNA change, and amino acid change. No publications were found based on this search. This variant is found at a frequency of 0.000097 in the African/African American population of the Genome Aggregation Database (version 3.1.1). Based on the limited evidence, the p.Arg1841Cys variant is classified as a variant of uncertain significance for neurodevelopmental disorder with cataracts, poor growth, and dysmorphic facies.

NM_001080453.3(INTS1):c.5521C>T (p.Arg1841Cys)

Gene: INTS1 (integrator complex subunit 1; minus strand). Cytogenetic location: 7p22.3.
Variant type: single nucleotide variant.
Coding change: c.5521C>T on transcript NM_001080453.3 (MANE Select); coding-DNA position 5521, C replaced by T.
Protein change: p.Arg1841Cys; replaces arginine 1841 with cysteine.
Molecular consequence: missense variant.
Genome position (GRCh38, 1-based): chr7:1,474,820, G>A on the plus strand (C>T on the coding strand, the complement: INTS1 is on the minus strand). VCF-style: chr7-1474820-G-A. GRCh37 (hg19) VCF-style: chr7-1514456-G-A.
Other names: short protein forms R1841C.
Identifiers: ClinVar variation 1328176 (VCV001328176.5), dbSNP rs368503457, ClinGen allele CA4118404.